The following is an entry in ClinVar:

ClinVar aggregate classification (germline): Pathogenic (1 of 4 stars; one submission).

Conditions:
Glycogen storage disease, type II (IOPD). Also called: POMPE DISEASE, INFANTILE-ONSET; GLYCOGEN STORAGE DISEASE II, INFANTILE-ONSET; ACID ALPHA-GLUCOSIDASE DEFICIENCY, INFANTILE-ONSET; GAA DEFICIENCY, INFANTILE-ONSET; ACID MALTASE DEFICIENCY, INFANTILE-ONSET; GLYCOGENOSIS, GENERALIZED, CARDIAC FORM. Identifiers: Orphanet 365, MedGen C0017921, MONDO:0009290, OMIM 232300.

Submission:

Women's Health and Genetics/Laboratory Corporation of America, LabCorp
Classification: Pathogenic for Glycogen storage disease, type II. Last evaluated: 2018-01-26. Review status: criteria provided, single submitter. Criteria: LabCorp Variant Classification Summary - May 2015. Collection method: clinical testing. Allele origin: germline.
Comment: Variant summary: The c.1195-19_2190-17del (p.Asp399ValfsX6) variant involves the deletion of multiple exons of the GAA gene. The frequency of this variant in the general population could not be determined since the large population databases (e.g., ExAC, gnomAD) do not report deletions of this size. The variant has been reported in at least two Pompe disease patients, both with infantile-onset and severe symptoms, as a compound heterozygous with a splice-site mutation and as a homozygous allele respectively (Huie_2002, Mori_2017). GAA enzyme activity was undetectable in the compound heterozygous patient's muscle cells, suggesting the variant is a null allele (Huie_2002). Taken together, this variant is classified as pathogenic.

Literature cited by the submitters: PubMed 25687635; PubMed 11854868; PubMed 29122469; PubMed 23787031.

NM_000152.5(GAA):c.1195-19_2190-17del

Gene: GAA (alpha glucosidase; plus strand). Cytogenetic location: 17q25.3.
Variant type: Deletion.
Coding change: c.1195-19_2190-17del on transcript NM_000152.5 (MANE Select); 19 bases into the intron before coding-DNA position 1195 through 17 bases into the intron before coding-DNA position 2190, 8,274 bases deleted.
Molecular consequence: splice acceptor variant, splice donor variant.
Genome position (GRCh38, 1-based): chr17:80,108,678-80,116,951, 8,274 bases deleted. GRCh37 (hg19): chr17:78,082,477-78,090,750.
Other names: c.1195-19_2190-17del (NM_001079803.3, NM_001079804.3).
Identifiers: ClinVar variation 632821 (VCV000632821.1), ClinGen allele CA658795244.